The following is an entry in ClinVar:

ClinVar aggregate classification (germline): Likely benign. Review status: criteria provided, single submitter (1 of 4 stars). 2 submissions from 1 submitter: Likely benign (2). Last evaluated 2018-01-13.

Conditions:
Dilated cardiomyopathy 1R (CMD1R). Identifiers: Orphanet 154, Orphanet 54260, MedGen C3150681, MONDO:0013261, OMIM 613424.
Hypertrophic cardiomyopathy 11. Also called: ACTC1-Related Familial Hypertrophic Cardiomyopathy. Identifiers: MedGen C2677506, MONDO:0012799, OMIM 612098.

Allele frequency attached by ClinVar (database versions not stated): 1000 Genomes Project 0.00539; TOPMed 0.00732; 1000 Genomes Project 30x 0.00609; gnomAD 0.00632 and 0.00680.

Submissions (2):

Illumina Laboratory Services, Illumina
Classification: Likely benign for Hypertrophic cardiomyopathy 11. Last evaluated: 2018-01-13. Review status: criteria provided, single submitter. Criteria: ICSL Variant Classification Criteria 13 December 2019. Collection method: clinical testing. Allele origin: germline.
Comment: This variant was observed in the ICSL laboratory as part of a predisposition screen in an ostensibly healthy population. It had not been previously curated by ICSL or reported in the Human Gene Mutation Database (HGMD: prior to June 1st, 2018), and was therefore a candidate for classification through an automated scoring system. Utilizing variant allele frequency, disease prevalence and penetrance estimates, and inheritance mode, an automated score was calculated to assess if this variant is too frequent to cause the disease. Based on the score and internal cut-off values, a variant classified as likely benign is not then subjected to further curation. The score for this variant resulted in a classification of likely benign for this disease.

Illumina Laboratory Services, Illumina
Classification: Likely benign for Dilated cardiomyopathy 1R. Last evaluated: 2018-01-13. Review status: criteria provided, single submitter. Criteria: ICSL Variant Classification Criteria 13 December 2019. Collection method: clinical testing. Allele origin: germline.
Comment: the same text as in the submission from Illumina Laboratory Services, Illumina above.

NM_005159.4(ACTC1):c.*688T>G

Genes: ACTC1 (actin alpha cardiac muscle 1; minus strand), GJD2-DT (GJD2 divergent transcript; plus strand). Cytogenetic location: 15q14.
Variant type: single nucleotide variant.
Coding change: c.*688T>G on transcript NM_005159.4; 688 bases downstream of the stop codon, T replaced by G.
Genome position (GRCh38, 1-based): chr15:34,789,724, A>C on the plus strand (T>G on the coding strand, the complement: ACTC1 is on the minus strand). VCF-style: chr15-34789724-A-C. GRCh37 (hg19) VCF-style: chr15-35081925-A-C.
Identifiers: ClinVar variation 885026 (VCV000885026.6), dbSNP rs116184851, ClinGen allele CA268659497.